The following is an entry in ClinVar:

ClinVar aggregate classification (germline): Uncertain significance (1 of 4 stars; one submission).

Conditions:
TUBB1-related disorder. Also called: TUBB1-related condition.

gnomAD v4.1: 7 of 1,614,230 alleles (0.00043%); highest among the groups gnomAD compares: Non-Finnish European, 0.00059%; no homozygotes.

Submission:

PreventionGenetics, part of Exact Sciences
Classification: Uncertain significance for TUBB1-related condition. Last evaluated: 2025-11-24. Review status: criteria provided, single submitter. Criteria: ACMG Guidelines, 2015. Collection method: clinical testing. Allele origin: germline.
Comment: The TUBB1 c.587C>T variant is predicted to result in the amino acid substitution p.Ala196Val. To our knowledge, this variant has not been reported in the literature. This variant is reported in 0.0018% of alleles in individuals of European (Non-Finnish) descent in gnomAD. At this time, the clinical significance of this variant is uncertain due to the absence of conclusive functional and genetic evidence.

NM_030773.4(TUBB1):c.587C>T (p.Ala196Val)

Gene: TUBB1 (tubulin beta 1 class VI; plus strand). Cytogenetic location: 20q13.32.
Variant type: single nucleotide variant.
Coding change: c.587C>T on transcript NM_030773.4 (MANE Select); coding-DNA position 587, C replaced by T.
Protein change: p.Ala196Val; replaces alanine 196 with valine.
Molecular consequence: missense variant.
Genome position (GRCh38, 1-based): chr20:59,024,014, C>T. VCF-style: chr20-59024014-C-T. GRCh37 (hg19) VCF-style: chr20-57599069-C-T.
Other names: short protein forms A196V.
Identifiers: ClinVar variation 4979348 (VCV004979348.1).